The following is an entry in ClinVar:

ClinVar aggregate classification (germline): Uncertain significance (1 of 4 stars; one submission).

Conditions:
Combined oxidative phosphorylation defect type 17. Also called: Combined oxidative phosphorylation deficiency 17. Identifiers: Orphanet 369913, MedGen C3809526, MONDO:0014190, OMIM 615440.

Allele frequency attached by ClinVar (database versions not stated): gnomAD exomes 0.00001 and 0.00002; ExAC 0.00002.
gnomAD v4.1: 14 of 1,614,166 alleles (0.00087%); highest among the groups gnomAD compares: South Asian, 0.012%; no homozygotes.

Submission:

Labcorp Genetics (formerly Invitae), Labcorp
Classification: Uncertain significance for Combined oxidative phosphorylation defect type 17. Last evaluated: 2021-08-14. Review status: criteria provided, single submitter. Criteria: Invitae Variant Classification Sherloc (09022015). Collection method: clinical testing. Allele origin: germline.
Comment: This sequence change replaces proline with serine at codon 184 of the ELAC2 protein (p.Pro184Ser). The proline residue is moderately conserved and there is a moderate physicochemical difference between proline and serine. This variant is present in population databases (rs755308728, ExAC 0.01%). This variant has not been reported in the literature in individuals affected with ELAC2-related conditions. Algorithms developed to predict the effect of missense changes on protein structure and function are either unavailable or do not agree on the potential impact of this missense change (SIFT: "Tolerated"; PolyPhen-2: "Probably Damaging"; Align-GVGD: "Class C0"). In summary, the available evidence is currently insufficient to determine the role of this variant in disease. Therefore, it has been classified as a Variant of Uncertain Significance.

NM_018127.7(ELAC2):c.550C>T (p.Pro184Ser)

Gene: ELAC2 (elaC ribonuclease Z 2; minus strand). Cytogenetic location: 17p12.
Variant type: single nucleotide variant.
Coding change: c.550C>T on transcript NM_018127.7 (MANE Select); coding-DNA position 550, C replaced by T.
Protein change: p.Pro184Ser; replaces proline 184 with serine.
Molecular consequence: missense variant.
Genome position (GRCh38, 1-based): chr17:13,013,216, G>A on the plus strand (C>T on the coding strand, the complement: ELAC2 is on the minus strand). VCF-style: chr17-13013216-G-A. GRCh37 (hg19) VCF-style: chr17-12916533-G-A.
Other names: c.550C>T, p.Pro184Ser (NM_173717.2, NM_001165962.2); short protein forms P184S.
Identifiers: ClinVar variation 1511751 (VCV001511751.5), dbSNP rs755308728, ClinGen allele CA8401606.